The following is an entry in ClinVar:

ClinVar aggregate classification (germline): Likely benign. Review status: criteria provided, multiple submitters, no conflicts (2 of 4 stars). 2 submissions from 2 submitters: Likely benign (2). Last evaluated 2018-10-01.

Conditions:
Progressive sclerosing poliodystrophy (MTDPS4A). Also called: Alpers-Huttenlocher Syndrome (AHS); Alpers Syndrome; ALPERS PROGRESSIVE INFANTILE POLIODYSTROPHY; Mitochondrial DNA depletion syndrome 4A (Alpers type); ALPERS DIFFUSE DEGENERATION OF CEREBRAL GRAY MATTER WITH HEPATIC CIRRHOSIS; Alpers-Huttenlocher Syndrome. Identifiers: Orphanet 726, MedGen C0205710, MONDO:0008758, OMIM 203700.

Allele frequency attached by ClinVar (database versions not stated): gnomAD exomes 0.00068; ExAC 0.00076; ESP Exome Variant Server 0.00123; 1000 Genomes Project 30x 0.00125; 1000 Genomes Project 0.00140; gnomAD 0.00155 and 0.00163; TOPMed 0.00166.
gnomAD v4.1: 958 of 1,614,050 alleles (0.059%); highest among the groups gnomAD compares: Middle Eastern, 0.51%; 5 homozygotes.

Submissions (2):

Wong Mito Lab, Molecular and Human Genetics, Baylor College of Medicine
Classification: Likely benign for Progressive sclerosing poliodystrophy. Last evaluated: 2018-10-01. Review status: criteria provided, single submitter. Criteria: ACMG Guidelines, 2015. Collection method: clinical testing. Allele origin: germline.
Comment: The NM_002693.2:c.1434-45C>T (NP_002684.1:p.=) [GRCH38: NC_000015.10:g.89327108G>A] variant in POLG gene is interpretated to be a Likely Benign based on ACMG guidelines (PMID: 25741868). This variant meets the following evidence codes reported in the ACMG-guideline. BS1:The minor allele frequency of this allele is high for Mitochondrial DNA depletion syndrome 4A (Alpers type). BP4:Computational evidence/predictors indicate no impact on the POLG structure, function, or protein-protein interaction. BP6:Reputable source(s) without shared data suggest the variant is benign. Based on the evidence criteria codes applied, the variant is suggested to be Likely Benign.

Breakthrough Genomics
Classification: Likely benign. Review status: criteria provided, single submitter. Criteria: ACMG Guidelines, 2015. Collection method: not provided. Allele origin: germline. Inheritance: Autosomal recessive inheritance. Affected: yes.

NM_002693.3(POLG):c.1434-45C>T

Gene: POLG (DNA polymerase gamma, catalytic subunit; minus strand). Cytogenetic location: 15q26.1.
Variant type: single nucleotide variant.
Coding change: c.1434-45C>T on transcript NM_002693.3 (MANE Select); 45 bases into the intron before coding-DNA position 1434, C replaced by T.
Molecular consequence: intron variant.
Genome position (GRCh38, 1-based): chr15:89,327,108, G>A on the plus strand (C>T on the coding strand, the complement: POLG is on the minus strand). VCF-style: chr15-89327108-G-A. GRCh37 (hg19) VCF-style: chr15-89870339-G-A.
Other names: c.1434-45C>T (NM_001126131.2).
Identifiers: ClinVar variation 619455 (VCV000619455.2), dbSNP rs190262367, ClinGen allele CA7724846.
Genomic context (GRCh38, chr15:89,327,108, plus strand): 5'-GGGGTCTTCTTTGTACCTACAGAGCCAGTCCACTAGGGCAGGGCTAAGGCTAAGCCGAAG[G>A]CTAGGCCGCCCACCTGCCAGTCCCCTGCCTAGATCCTGCCCACCCAAGGCCTGGCTACCT-3'